The following is an entry in ClinVar:

NM_147127.5(EVC2):c.3406G>A (p.Gly1136Arg)

Gene: EVC2 (EvC ciliary complex subunit 2; minus strand). Cytogenetic location: 4p16.2.
Variant type: single nucleotide variant.
Coding change: c.3406G>A on transcript NM_147127.5 (MANE Select); coding-DNA position 3406, G replaced by A.
Protein change: p.Gly1136Arg; replaces glycine 1136 with arginine.
Molecular consequence: missense variant.
Genome position (GRCh38, 1-based): chr4:5,568,595, C>T on the plus strand (G>A on the coding strand, the complement: EVC2 is on the minus strand). VCF-style: chr4-5568595-C-T. GRCh37 (hg19) VCF-style: chr4-5570322-C-T.
Other names: c.3166G>A, p.Gly1056Arg (NM_001166136.2); short protein forms G1056R, G1136R.
Identifiers: ClinVar variation 4791315 (VCV004791315.1).

ClinVar aggregate classification (germline): Uncertain significance (1 of 4 stars; one submission).

Conditions:
Ellis-van Creveld syndrome (EVC). Also called: EVC-Related Ellis-van Creveld Syndrome; EVC2-Related Ellis-van Creveld Syndrome; MESOECTODERMAL DYSPLASIA; Chondroectodermal dysplasia. Identifiers: Orphanet 289, MedGen C0013903, MONDO:0009162, OMIM 225500.
Curry-Hall syndrome (WAD). Also called: WEYERS ACRODENTAL DYSOSTOSIS. Identifiers: Orphanet 952, MedGen C0457013, MONDO:0008673, OMIM 193530.

gnomAD v4.1: 84 of 1,608,634 alleles (0.0052%); highest among the groups gnomAD compares: East Asian, 0.036%; no homozygotes.

Submission:

Labcorp Genetics (formerly Invitae), Labcorp
Classification: Uncertain significance for Curry-Hall syndrome; Ellis-van Creveld syndrome. Last evaluated: 2025-09-16. Review status: criteria provided, single submitter. Criteria: Invitae Variant Classification Sherloc (09022015). Collection method: clinical testing. Allele origin: germline.
Comment: This sequence change replaces glycine, which is neutral and non-polar, with arginine, which is basic and polar, at codon 1136 of the EVC2 protein (p.Gly1136Arg). This variant is present in population databases (rs567949398, gnomAD 0.09%). This variant has not been reported in the literature in individuals affected with EVC2-related conditions. An algorithm developed to predict the effect of missense changes on protein structure and function (PolyPhen-2) suggests that this variant is likely to be disruptive. In summary, the available evidence is currently insufficient to determine the role of this variant in disease. Therefore, it has been classified as a Variant of Uncertain Significance.